The following is an entry in ClinVar:

ClinVar aggregate classification (germline): Uncertain significance. Review status: criteria provided, multiple submitters, no conflicts (2 of 4 stars). 4 submissions from 4 submitters: Uncertain significance (4). Last evaluated 2025-05-19.

Conditions:
Autosomal recessive nonsyndromic hearing loss 30. Identifiers: Orphanet 90636, MedGen C1846784, MONDO:0011774, OMIM 607101.

Allele frequency attached by ClinVar (database versions not stated): TOPMed below 0.00001; gnomAD 0.00001.

Submissions (4):

Labcorp Genetics (formerly Invitae), Labcorp
Classification: Uncertain significance. Last evaluated: 2025-05-19. Review status: criteria provided, single submitter. Criteria: Invitae Variant Classification Sherloc (09022015). Collection method: clinical testing. Allele origin: germline.
Comment: This sequence change replaces isoleucine, which is neutral and non-polar, with valine, which is neutral and non-polar, at codon 901 of the MYO3A protein (p.Ile901Val). This variant is present in population databases (no rsID available, gnomAD 0.005%). This variant has not been reported in the literature in individuals affected with MYO3A-related conditions. ClinVar contains an entry for this variant (Variation ID: 452379). An algorithm developed to predict the effect of missense changes on protein structure and function outputs the following: PolyPhen-2: "Benign". The valine amino acid residue is found in multiple mammalian species, which suggests that this missense change does not adversely affect protein function. In summary, the available evidence is currently insufficient to determine the role of this variant in disease. Therefore, it has been classified as a Variant of Uncertain Significance.

Blueprint Genetics
Classification: Uncertain significance. Last evaluated: 2024-03-28. Review status: criteria provided, single submitter. Criteria: ACMG Guidelines, 2015. Collection method: clinical testing. Allele origin: germline.

GeneDx
Classification: Uncertain significance. Last evaluated: 2017-09-26. Review status: criteria provided, single submitter. Criteria: GeneDx Variant Classification (06012015). Collection method: clinical testing. Allele origin: germline. Affected: yes.
Comment: The I901V variant in the MYO3A gene has not been reported previously as a pathogenic variant, nor as a benign variant, to our knowledge. The I901V variant is observed in 1/30970 (0.003%) alleles in the ExAC dataset (Lek et al., 2016). The I901V variant is a conservative amino acid substitution, which is not likely to impact secondary protein structure as these residues share similar properties. This substitution occurs at a position that is not conserved. In silico analysis predicts this variant likely does not alter the protein structure/function. We interpret I901V as a variant of uncertain significance.

Illumina Laboratory Services, Illumina
Classification: Uncertain significance for Autosomal recessive nonsyndromic hearing loss 30. Last evaluated: 2017-04-27. Review status: criteria provided, single submitter. Criteria: ICSL Variant Classification Criteria 13 December 2019. Collection method: clinical testing. Allele origin: germline.

NM_017433.5(MYO3A):c.2701A>G (p.Ile901Val)

Gene: MYO3A (myosin IIIA; plus strand). Cytogenetic location: 10p12.1.
Variant type: single nucleotide variant.
Coding change: c.2701A>G on transcript NM_017433.5 (MANE Select); coding-DNA position 2701, A replaced by G.
Protein change: p.Ile901Val; replaces isoleucine 901 with valine.
Molecular consequence: missense variant.
Genome position (GRCh38, 1-based): chr10:26,153,915, A>G. VCF-style: chr10-26153915-A-G. GRCh37 (hg19) VCF-style: chr10-26442844-A-G.
Other names: short protein forms I901V.
Identifiers: ClinVar variation 452379 (VCV000452379.8), dbSNP rs1371951424, ClinGen allele CA376335443.